The following is an entry in ClinVar:

NM_031924.8(RSPH3):c.531A>C (p.Glu177Asp)

Gene: RSPH3 (radial spoke head 3; minus strand). Cytogenetic location: 6q25.3.
Variant type: single nucleotide variant.
Coding change: c.531A>C on transcript NM_031924.8 (MANE Select); coding-DNA position 531, A replaced by C.
Protein change: p.Glu177Asp; replaces glutamic acid 177 with aspartic acid.
Molecular consequence: missense variant. On other transcripts: non-coding transcript variant (1).
Genome position (GRCh38, 1-based): chr6:158,982,650, T>G on the plus strand (A>C on the coding strand, the complement: RSPH3 is on the minus strand). VCF-style: chr6-158982650-T-G. GRCh37 (hg19) VCF-style: chr6-159403682-T-G.
Other names: c.669A>C, p.Glu223Asp (NM_001346418.1); short protein forms E177D, E223D.
Identifiers: ClinVar variation 1057908 (VCV001057908.6), dbSNP rs2128606685, ClinGen allele CA366280684.

ClinVar aggregate classification (germline): Uncertain significance (1 of 4 stars; one submission).

Conditions:
Primary ciliary dyskinesia 32. Also called: CILIARY DYSKINESIA, PRIMARY, 32, WITHOUT SITUS INVERSUS. Identifiers: Orphanet 244, MedGen C4225311, MONDO:0014657, OMIM 616481.

Submission:

Labcorp Genetics (formerly Invitae), Labcorp
Classification: Uncertain significance for Primary ciliary dyskinesia 32. Last evaluated: 2022-06-13. Review status: criteria provided, single submitter. Criteria: Invitae Variant Classification Sherloc (09022015). Collection method: clinical testing. Allele origin: germline.
Comment: This sequence change replaces glutamic acid, which is acidic and polar, with aspartic acid, which is acidic and polar, at codon 319 of the RSPH3 protein (p.Glu319Asp). This variant is not present in population databases (gnomAD no frequency). This variant has not been reported in the literature in individuals affected with RSPH3-related conditions. ClinVar contains an entry for this variant (Variation ID: 1057908). Algorithms developed to predict the effect of missense changes on protein structure and function are either unavailable or do not agree on the potential impact of this missense change (SIFT: "Tolerated"; PolyPhen-2: "Probably Damaging"; Align-GVGD: "Class C0"). In summary, the available evidence is currently insufficient to determine the role of this variant in disease. Therefore, it has been classified as a Variant of Uncertain Significance.